The following is an entry in ClinVar:

NM_020631.6(PLEKHG5):c.538C>T (p.Pro180Ser)

Gene: PLEKHG5 (pleckstrin homology and RhoGEF domain containing G5; minus strand). Cytogenetic location: 1p36.31.
Variant type: single nucleotide variant.
Coding change: c.538C>T on transcript NM_020631.6 (MANE Select); coding-DNA position 538, C replaced by T.
Protein change: p.Pro180Ser; replaces proline 180 with serine.
Molecular consequence: missense variant.
Genome position (GRCh38, 1-based): chr1:6,474,066, G>A on the plus strand (C>T on the coding strand, the complement: PLEKHG5 is on the minus strand). VCF-style: chr1-6474066-G-A. GRCh37 (hg19) VCF-style: chr1-6534126-G-A.
Other names: c.649C>T, p.Pro217Ser (NM_001042663.3, NM_001265592.2); c.538C>T, p.Pro180Ser (NM_001042664.2, NM_001042665.2, NM_001265594.3 and 1 more transcripts); c.745C>T, p.Pro249Ser (NM_001265593.2); short protein forms P180S, P249S, P217S.
Identifiers: ClinVar variation 1387817 (VCV001387817.5), dbSNP rs752485682, ClinGen allele CA561818.
Genomic context (GRCh38, chr1:6,474,066, plus strand): 5'-TCCTCACCAAGATGTCCAGGCTCTCCCGGCGGCTCTGGGCGTCCACACGCTCCAGGGCGG[G>A]GGGCCCGGTCCCAGCTGGCCGCAGAATCGGCAAACTCAGGGACTTGGAGTCCTTCATGCC-3'
Protein context (NP_065682.2, residues 170-190): PILRPAGTGP[Pro180Ser]ALERVDAQSR

ClinVar aggregate classification (germline): Uncertain significance (1 of 4 stars; one submission).

Conditions:
Neuronopathy, distal hereditary motor, autosomal recessive 4. Also called: NEUROPATHY, DISTAL HEREDITARY MOTOR, AUTOSOMAL RECESSIVE 4; Autosomal recessive lower motor neuron disease with childhood onset. Identifiers: Orphanet 206580, MedGen C1970211, MONDO:0012608, OMIM 611067.
Charcot-Marie-Tooth disease recessive intermediate C. Also called: CHARCOT-MARIE-TOOTH NEUROPATHY, RECESSIVE INTERMEDIATE C. Identifiers: Orphanet 369867, MedGen C3809309, MONDO:0014154, OMIM 615376.

Allele frequency attached by ClinVar (database versions not stated): ExAC 0.00001; gnomAD 0.00001; gnomAD exomes 0.00001 and 0.00002; TOPMed 0.00002.
gnomAD v4.1: 8 of 1,612,222 alleles (0.0005%); highest among the groups gnomAD compares: Admixed American, 0.012%; no homozygotes.

Submission:

Labcorp Genetics (formerly Invitae), Labcorp
Classification: Uncertain significance for Neuronopathy, distal hereditary motor, autosomal recessive 4; Charcot-Marie-Tooth disease recessive intermediate C. Last evaluated: 2021-08-14. Review status: criteria provided, single submitter. Criteria: Invitae Variant Classification Sherloc (09022015). Collection method: clinical testing. Allele origin: germline.
Comment: This sequence change replaces proline with serine at codon 180 of the PLEKHG5 protein (p.Pro180Ser). The proline residue is moderately conserved and there is a moderate physicochemical difference between proline and serine. This variant is present in population databases (rs752485682, ExAC 0.01%). This variant has not been reported in the literature in individuals affected with PLEKHG5-related conditions. Algorithms developed to predict the effect of missense changes on protein structure and function are either unavailable or do not agree on the potential impact of this missense change (SIFT: "Deleterious"; PolyPhen-2: "Benign"; Align-GVGD: "Class C0"). In summary, the available evidence is currently insufficient to determine the role of this variant in disease. Therefore, it has been classified as a Variant of Uncertain Significance.